The following is an entry in ClinVar:

NM_001143980.3(CCDC154):c.1878-1G>A

Gene: CCDC154 (coiled-coil domain containing 154; minus strand). Cytogenetic location: 16p13.3.
Variant type: single nucleotide variant.
Coding change: c.1878-1G>A on transcript NM_001143980.3 (MANE Select); the canonical splice acceptor site of the intron before coding-DNA position 1878, G replaced by A.
Molecular consequence: splice acceptor variant.
Genome position (GRCh38, 1-based): chr16:1,434,535, C>T on the plus strand (G>A on the coding strand, the complement: CCDC154 is on the minus strand). VCF-style: chr16-1434535-C-T. GRCh37 (hg19) VCF-style: chr16-1484536-C-T.
Identifiers: ClinVar variation 2645898 (VCV002645898.24), dbSNP rs117318560, ClinGen allele CA7809365.
Genomic context (GRCh38, chr16:1,434,535, plus strand): 5'-ACCCCTCCTGGCCTCCGCAGGGCCCTGAGCTTTATGAGGGACGCCTTCCAGCGCAGCCAC[C>T]TGTCCAGAGATGCGGCACATGGCCCCTGCACCCCCGCCCCACCCCCCATGGCCCACCTGC-3'

ClinVar aggregate classification (germline): Likely benign (1 of 4 stars; one submission).

Allele frequency attached by ClinVar (database versions not stated): 1000 Genomes Project 0.00300; 1000 Genomes Project 30x 0.00328; gnomAD 0.00390; TOPMed 0.00452; gnomAD exomes 0.00494; ExAC 0.00676.
gnomAD v4.1: 7,582 of 1,545,066 alleles (0.49%); highest among the groups gnomAD compares: Middle Eastern, 0.72%; 33 homozygotes.

Submission:

CeGaT Center for Human Genetics Tuebingen
Classification: Likely benign. Last evaluated: 2023-03-01. Review status: criteria provided, single submitter. Criteria: CeGaT Center For Human Genetics Tuebingen Variant Classification Criteria Version 2. Collection method: clinical testing. Allele origin: germline. Affected: yes. Observed: 1 variant allele.
Comment: CCDC154: BS2